The following is an entry in ClinVar:

NM_004713.6(NEMF):c.578A>G (p.Tyr193Cys)

Gene: NEMF (nuclear export mediator factor; minus strand). Cytogenetic location: 14q21.3.
Variant type: single nucleotide variant.
Coding change: c.578A>G on transcript NM_004713.6 (MANE Select); coding-DNA position 578, A replaced by G.
Protein change: p.Tyr193Cys; replaces tyrosine 193 with cysteine.
Molecular consequence: missense variant.
Genome position (GRCh38, 1-based): chr14:49,834,446, T>C on the plus strand (A>G on the coding strand, the complement: NEMF is on the minus strand). VCF-style: chr14-49834446-T-C. GRCh37 (hg19) VCF-style: chr14-50301164-T-C.
Other names: c.578A>G, p.Tyr193Cys (NM_001301732.3); short protein forms Y193C.
Identifiers: ClinVar variation 2230341 (VCV002230341.2), dbSNP rs765968441, ClinGen allele CA7175598.

ClinVar aggregate classification (germline): Uncertain significance (1 of 4 stars; one submission).

Conditions:
Inborn genetic diseases. Identifiers: MedGen C0950123, MeSH D030342.

Allele frequency attached by ClinVar (database versions not stated): ExAC 0.00001; gnomAD exomes 0.00002; TOPMed 0.00009.
gnomAD v4.1: 39 of 1,585,426 alleles (0.0025%); highest among the groups gnomAD compares: African/African-American, 0.018%; no homozygotes.

Submission:

Ambry Genetics
Classification: Uncertain significance for Inborn genetic diseases. Last evaluated: 2021-04-20. Review status: criteria provided, single submitter. Criteria: Ambry Variant Classification Scheme 2023. Collection method: clinical testing. Allele origin: germline.
Comment: The c.578A>G (p.Y193C) alteration is located in exon 7 (coding exon 7) of the NEMF gene. This alteration results from a A to G substitution at nucleotide position 578, causing the tyrosine (Y) at amino acid position 193 to be replaced by a cysteine (C). The p.Y193C alteration is predicted to be tolerated by in silico analysis. Based on insufficient or conflicting evidence, the clinical significance of this alteration remains unclear.